The following is an entry in ClinVar:

ClinVar aggregate classification (germline): Conflicting classifications of pathogenicity. Review status: criteria provided, conflicting classifications (1 of 4 stars). 2 submissions from 2 submitters: Uncertain significance (1); Likely benign (1). Last evaluated 2025-01-20.

Allele frequency attached by ClinVar (database versions not stated): TOPMed below 0.00001; gnomAD exomes 0.00002.
gnomAD v4.1: 9 of 1,607,428 alleles (0.00056%); highest among the groups gnomAD compares: Non-Finnish European, 0.00076%; no homozygotes.

Submissions (2):

Labcorp Genetics (formerly Invitae), Labcorp
Classification: Uncertain significance. Last evaluated: 2025-01-20. Review status: criteria provided, single submitter. Criteria: Invitae Variant Classification Sherloc (09022015). Collection method: clinical testing. Allele origin: germline.
Comment: This sequence change replaces isoleucine, which is neutral and non-polar, with leucine, which is neutral and non-polar, at codon 230 of the PIGB protein (p.Ile230Leu). This variant is present in population databases (no rsID available, gnomAD 0.0009%). This variant has not been reported in the literature in individuals affected with PIGB-related conditions. ClinVar contains an entry for this variant (Variation ID: 1959094). Invitae Evidence Modeling of protein sequence and biophysical properties (such as structural, functional, and spatial information, amino acid conservation, physicochemical variation, residue mobility, and thermodynamic stability) indicates that this missense variant is not expected to disrupt PIGB protein function with a negative predictive value of 80%. In summary, the available evidence is currently insufficient to determine the role of this variant in disease. Therefore, it has been classified as a Variant of Uncertain Significance.

Blueprint Genetics
Classification: Likely benign. Last evaluated: 2023-09-21. Review status: criteria provided, single submitter. Criteria: ACMG Guidelines, 2015. Collection method: clinical testing. Allele origin: germline.

NM_004855.5(PIGB):c.688A>C (p.Ile230Leu)

Gene: PIGB (phosphatidylinositol glycan anchor biosynthesis class B; plus strand). Cytogenetic location: 15q21.3.
Variant type: single nucleotide variant.
Coding change: c.688A>C on transcript NM_004855.5 (MANE Select); coding-DNA position 688, A replaced by C.
Protein change: p.Ile230Leu; replaces isoleucine 230 with leucine.
Molecular consequence: missense variant.
Genome position (GRCh38, 1-based): chr15:55,333,901, A>C. VCF-style: chr15-55333901-A-C. GRCh37 (hg19) VCF-style: chr15-55626099-A-C.
Other names: short protein forms I230L.
Identifiers: ClinVar variation 1959094 (VCV001959094.6), dbSNP rs1394268996, ClinGen allele CA392542380.